The following is an entry in ClinVar:

ClinVar aggregate classification (germline): Uncertain significance (1 of 4 stars; one submission).

Submission:

GeneDx
Classification: Uncertain significance. Last evaluated: 2026-02-25. Review status: criteria provided, single submitter. Criteria: GeneDx Variant Classification Process June 2021. Collection method: clinical testing. Allele origin: germline.
Comment: Frameshift variant predicted to result in protein truncation or nonsense mediated decay in a gene or region of a gene for which loss of function is not a well-established mechanism of disease; Not observed at significant frequency in large population cohorts (gnomAD); Has not been previously published as pathogenic or benign to our knowledge

NM_006445.4(PRPF8):c.1682_1683del (p.His561fs)

Gene: PRPF8 (pre-mRNA processing factor 8; minus strand). Cytogenetic location: 17p13.3.
Variant type: Deletion.
Coding change: c.1682_1683del on transcript NM_006445.4 (MANE Select); coding-DNA positions 1682 to 1683, 2 bases deleted (AC; older notation c.1682_1683delAC).
Protein change: p.His561fs; shifts the reading frame from histidine 561.
Molecular consequence: frameshift variant.
Genome position (GRCh38, 1-based): chr17:1,678,798-1,678,799, GT deleted on the plus strand (AC on the coding strand, the reverse complement: PRPF8 is on the minus strand); deleting any 2 consecutive bases within chr17:1,678,798-1,678,800 gives the same sequence; the c. name uses the placement nearest the transcript's 3' end. VCF-style (leftmost placement, unchanged base first): chr17-1678797-CGT-C. GRCh37 (hg19) VCF-style: chr17-1582091-CGT-C.
Other names: short protein forms H561fs.
Identifiers: ClinVar variation 5010012 (VCV005010012.1).